The following is an entry in ClinVar:

NM_024675.4(PALB2):c.911T>C (p.Leu304Pro)

Gene: PALB2 (partner and localizer of BRCA2; minus strand). Cytogenetic location: 16p12.2.
Variant type: single nucleotide variant.
Coding change: c.911T>C on transcript NM_024675.4 (MANE Select); coding-DNA position 911, T replaced by C.
Protein change: p.Leu304Pro; replaces leucine 304 with proline.
Molecular consequence: missense variant. On other transcripts: intron variant (3).
Genome position (GRCh38, 1-based): chr16:23,635,635, A>G on the plus strand (T>C on the coding strand, the complement: PALB2 is on the minus strand). VCF-style: chr16-23635635-A-G. GRCh37 (hg19) VCF-style: chr16-23646956-A-G.
Other names: c.851T>C, p.Leu284Pro (NM_001407296.1); c.911T>C, p.Leu304Pro (NM_001407297.1, NM_001407300.1, NM_001407301.1 and 3 more transcripts); c.26T>C, p.Leu9Pro (NM_001407304.1, NM_001407305.1, NM_001407306.1 and 5 more transcripts); c.48+5475T>C (NM_001407314.1); c.-104-5166T>C (NM_001407313.1, NM_001407312.1); short protein forms L284P, L9P, L304P.
Identifiers: ClinVar variation 2845523 (VCV002845523.3), dbSNP rs2142431212, ClinGen allele CA395135445.
Genomic context (GRCh38, chr16:23,635,635, plus strand): 5'-TTTGCCTCTAAATTAGAACTTGTGGGCAGTTGGCCACTTTTACTTATAGCTTTATTTACA[A>G]GGAGGTTATCTGTAGAGACAGTCATTTTTTTGCCTTGTGCCTCCAAACTTACAGGTGAAG-3'
Protein context (NP_078951.2, residues 294-314): KKMTVSTDNL[Leu304Pro]VNKAISKSGQ

ClinVar aggregate classification (germline): Uncertain significance (1 of 4 stars; one submission).

Conditions:
Familial cancer of breast. Also called: hereditary breast carcinoma; BREAST CANCER, FAMILIAL; Hereditary breast cancer. Identifiers: Orphanet 227535, MedGen C0346153, MONDO:0016419, OMIM 114480. Disease mechanism: loss of function.

Submission:

Labcorp Genetics (formerly Invitae), Labcorp
Classification: Uncertain significance for Familial cancer of breast. Last evaluated: 2023-03-14. Review status: criteria provided, single submitter. Criteria: Invitae Variant Classification Sherloc (09022015). Collection method: clinical testing. Allele origin: germline.
Comment: In summary, the available evidence is currently insufficient to determine the role of this variant in disease. Therefore, it has been classified as a Variant of Uncertain Significance. Advanced modeling of protein sequence and biophysical properties (such as structural, functional, and spatial information, amino acid conservation, physicochemical variation, residue mobility, and thermodynamic stability) performed at Invitae indicates that this missense variant is not expected to disrupt PALB2 protein function. This variant has not been reported in the literature in individuals affected with PALB2-related conditions. This variant is not present in population databases (gnomAD no frequency). This sequence change replaces leucine, which is neutral and non-polar, with proline, which is neutral and non-polar, at codon 304 of the PALB2 protein (p.Leu304Pro).